The following is an entry in ClinVar:

NM_000057.4(BLM):c.3617C>A (p.Ala1206Glu)

Gene: BLM (BLM RecQ like helicase; plus strand). Cytogenetic location: 15q26.1.
Variant type: single nucleotide variant.
Coding change: c.3617C>A on transcript NM_000057.4 (MANE Select); coding-DNA position 3617, C replaced by A.
Protein change: p.Ala1206Glu; replaces alanine 1206 with glutamic acid.
Molecular consequence: missense variant. On other transcripts: intron variant (1).
Genome position (GRCh38, 1-based): chr15:90,804,225, C>A. VCF-style: chr15-90804225-C-A. GRCh37 (hg19) VCF-style: chr15-91347455-C-A.
Other names: c.3617C>A (NM_000057.2); c.3617C>A, p.Ala1206Glu (NM_001287246.2); c.2492C>A, p.Ala831Glu (NM_001287248.2); c.3359-4912C>A (NM_001287247.2); short protein forms A831E, A1206E.
Identifiers: ClinVar variation 1046370 (VCV001046370.10), dbSNP rs1319362226, ClinGen allele CA393848010.
Genomic context (GRCh38, chr15:90,804,225, plus strand): 5'-AGGTAGACTTTATGGAAACAGAAAATTCCAGCAGTGTGAAAAAACAAAAAGCGTTAGTAG[C>A]AAAAGTGTCTCAGAGGGAAGAGATGGTTAAAAAATGTCTTGGAGAACTTACAGAAGTCTG-3'
Protein context (NP_000048.1, residues 1196-1216): SSVKKQKALV[Ala1206Glu]KVSQREEMVK

ClinVar aggregate classification (germline): Uncertain significance. Review status: criteria provided, multiple submitters, no conflicts (2 of 4 stars). 2 submissions from 2 submitters: Uncertain significance (2). Last evaluated 2023-05-20.

Conditions:
Hereditary cancer-predisposing syndrome. Also called: Hereditary Cancer Syndrome; Tumor predisposition; Hereditary neoplastic syndrome; Neoplastic Syndromes, Hereditary. Identifiers: Orphanet 140162, MedGen C0027672, MeSH D009386, MONDO:0015356.
Bloom syndrome (BLM). Also called: Bloom-Torre-Machacek syndrome. Identifiers: Orphanet 125, MedGen C0005859, MONDO:0008876, OMIM 210900.

Allele frequency attached by ClinVar (database versions not stated): TOPMed below 0.00001.

Submissions (2):

Labcorp Genetics (formerly Invitae), Labcorp
Classification: Uncertain significance for Bloom syndrome. Last evaluated: 2023-05-20. Review status: criteria provided, single submitter. Criteria: Invitae Variant Classification Sherloc (09022015). Collection method: clinical testing. Allele origin: germline.
Comment: In summary, the available evidence is currently insufficient to determine the role of this variant in disease. Therefore, it has been classified as a Variant of Uncertain Significance. Advanced modeling of protein sequence and biophysical properties (such as structural, functional, and spatial information, amino acid conservation, physicochemical variation, residue mobility, and thermodynamic stability) performed at Invitae indicates that this missense variant is not expected to disrupt BLM protein function. ClinVar contains an entry for this variant (Variation ID: 1046370). This variant has not been reported in the literature in individuals affected with BLM-related conditions. This variant is not present in population databases (gnomAD no frequency). This sequence change replaces alanine, which is neutral and non-polar, with glutamic acid, which is acidic and polar, at codon 1206 of the BLM protein (p.Ala1206Glu).

Ambry Genetics
Classification: Uncertain significance for Hereditary cancer-predisposing syndrome. Last evaluated: 2023-03-23. Review status: criteria provided, single submitter. Criteria: Ambry Variant Classification Scheme 2023. Collection method: clinical testing. Allele origin: germline.
Comment: The p.A1206E variant (also known as c.3617C>A), located in coding exon 18 of the BLM gene, results from a C to A substitution at nucleotide position 3617. The alanine at codon 1206 is replaced by glutamic acid, an amino acid with dissimilar properties. This amino acid position is conserved. In addition, this alteration is predicted to be tolerated by in silico analysis. Since supporting evidence is limited at this time, the clinical significance of this alteration remains unclear.